The following continues an entry in ClinVar:

NM_000492.4(CFTR):c.2052dup (p.Gln685fs)

Gene: CFTR. ClinVar aggregate classification (germline): Pathogenic. Pathogenic (1).

Submissions 13 to 31 of 31:

ARUP Laboratories, Molecular Genetics and Genomics, ARUP Laboratories
Classification: Pathogenic for Cystic fibrosis. Last evaluated: 2024-08-13. Review status: criteria provided, single submitter. Criteria: ARUP Molecular Germline Variant Investigation Process 2024. Collection method: clinical testing. Allele origin: germline. Not counted in ClinVar's aggregate classification.
Comment: The CFTR c.2052dup; p.Gln685ThrfsTer4 variant (rs121908786, ClinVar Variation ID: 35838), also known as 2184insA, is reported in the literature in multiple individuals affected with the pancreatic insufficient form of cystic fibrosis (Amato 2012, Doerk 1994, Makukh 2010, Ooi 2012, Sosnay 2013, CFTR2 database). This variant is found in the general population with an overall allele frequency of 0.0028% (7/249012 alleles) in the Genome Aggregation Database (v2.1.1). This variant causes a frameshift by inserting a single nucleotide, so it is predicted to result in a truncated protein or mRNA subject to nonsense-mediated decay. Based on available information, this variant is considered to be pathogenic. References: CFTR2 database: Amato F et al. Extensive molecular analysis of patients bearing CFTR-related disorders. J Mol Diagn. 2012 Jan;14(1):81-9. PMID: 22020151. Doerk T et al. Detection of more than 50 different CFTR mutations in a large group of German cystic fibrosis patients. Hum Genet. 1994; 94(5):533-42. PMID: 7525450. Makukh H et al. A high frequency of the Cystic Fibrosis 2184insA mutation in Western Ukraine: genotype-phenotype correlations, relevance for newborn screening and genetic testing. J Cyst Fibros. 2010; 9(5):371-5. PMID: 20659818. Ooi C. et al. Cystic fibrosis transmembrane conductance regulator (CFTR) gene mutations in pancreatitis. J Cyst Fibros. 2012; 11(5):355-62. PMID: 22658665. Sosnay PR et al. Defining the disease liability of variants in the cystic fibrosis transmembrane conductance regulator gene. Nat Genet. 2013; 45(10):1160-7. PMID: 23974870.

Fulgent Genetics
Classification: Pathogenic for Hereditary pancreatitis; Bronchiectasis with or without elevated sweat chloride 1; Cystic fibrosis; Congenital bilateral aplasia of vas deferens from CFTR mutation. Last evaluated: 2024-05-17. Review status: criteria provided, single submitter. Criteria: ACMG Guidelines, 2015. Collection method: clinical testing. Allele origin: germline. Not counted in ClinVar's aggregate classification.

Baylor Genetics
Classification: Pathogenic for Bronchiectasis with or without elevated sweat chloride 1. Last evaluated: 2024-03-26. Review status: criteria provided, single submitter. Criteria: ACMG Guidelines, 2015. Collection method: clinical testing. Allele origin: unknown. Not counted in ClinVar's aggregate classification.

Mayo Clinic Laboratories, Mayo Clinic
Classification: Pathogenic. Last evaluated: 2023-09-06. Review status: criteria provided, single submitter. Criteria: ACMG Guidelines, 2015. Collection method: clinical testing. Allele origin: germline. Not counted in ClinVar's aggregate classification.

Neuberg Centre For Genomic Medicine, NCGM
Classification: Pathogenic for Cystic fibrosis. Last evaluated: 2023-05-20. Review status: criteria provided, single submitter. Criteria: ACMG Guidelines, 2015. Collection method: clinical testing. Allele origin: germline. Inheritance: Autosomal recessive inheritance. Affected: yes. Not counted in ClinVar's aggregate classification.
Comment: The observed frameshift variant c.2052dup (p.Gln685ThrfsTer4) in the CFTR gene has been reported previously in individuals with CFTR related disorders (Ziętkiewicz E, et al., 2014; Sosnay PR, et al., 2013). This variant is reported with the allele frequency 0.003% in the gnomAD Exomes. This variant causes a frameshift starting with codon Glutamine 685, changes this amino acid to Threonine residue, and creates a premature Stop codon at position 4 of the new reading frame, denoted p.Gln685ThrfsTer4. It is submitted to ClinVar as Pathogenic by multiple submitters. This variant is predicted to cause loss of normal protein function through protein truncation. Loss of function variants have been previously reported to be disease causing. For these reasons, this variant has been classified as Pathogenic.

Department of Pathology and Laboratory Medicine, Sinai Health System
Classification: Pathogenic for Congenital bilateral aplasia of vas deferens from CFTR mutation; Cystic fibrosis; Bronchiectasis with or without elevated sweat chloride 1. Last evaluated: 2022-11-14. Review status: criteria provided, single submitter. Criteria: ACMG Guidelines, 2015. Collection method: research. Allele origin: germline. Not counted in ClinVar's aggregate classification.

Cambridge Genomics Laboratory, East Genomic Laboratory Hub, NHS Genomic Medicine Service
Classification: Pathogenic for Cystic fibrosis. Last evaluated: 2022-10-18. Review status: criteria provided, single submitter. Criteria: ACGS Best Practice Guidelines for Variant Classification in Rare Disease 2020. Collection method: clinical testing. Allele origin: germline. Affected: yes. Not counted in ClinVar's aggregate classification.
Comment: PVS1,PM2,PM3_Very Strong,PP4

Laboratorio de Genetica e Diagnostico Molecular, Hospital Israelita Albert Einstein
Classification: Pathogenic. Last evaluated: 2019-12-15. Review status: criteria provided, single submitter. Criteria: ACMG Guidelines, 2015. Collection method: clinical testing. Allele origin: germline. Affected: yes. Not counted in ClinVar's aggregate classification.
Comment: ACMG classification criteria: PVS1, PS4, PM2

Myriad Genetics, Inc.
Classification: Pathogenic for Cystic fibrosis. Last evaluated: 2019-11-12. Review status: criteria provided, single submitter. Criteria: Myriad Women's Health Autosomal Recessive and X-Linked Classification Criteria (2019). Collection method: clinical testing. Allele origin: unknown. Not counted in ClinVar's aggregate classification.
Comment: NM_000492.3(CFTR):c.2052dupA(Q685Tfs*4, aka 2184insA) is classified as pathogenic in the context of cystic fibrosis and is associated with the classic form of disease. Sources cited for classification include the following: PMID: 23974870. Classification of NM_000492.3(CFTR):c.2052dupA(Q685Tfs*4, aka 2184insA) is based on the following criteria: The variant causes a premature termination codon that is expected to be targeted by nonsense-mediated mRNA decay and is reported in individuals with the relevant phenotype. Please note: this variant was assessed in the context of healthy population screening.

Johns Hopkins Genomics, Johns Hopkins University
Classification: Pathogenic for Cystic fibrosis. Last evaluated: 2019-05-14. Review status: criteria provided, single submitter. Criteria: ACMG Guidelines, 2015. Collection method: clinical testing. Allele origin: germline. Not counted in ClinVar's aggregate classification.

Mendelics
Classification: Pathogenic for Cystic fibrosis. Last evaluated: 2018-11-05. Review status: criteria provided, single submitter. Criteria: Mendelics Assertion Criteria 2017. Collection method: clinical testing. Allele origin: unknown. Affected: yes. Not counted in ClinVar's aggregate classification.

CFTR-France
Classification: Pathogenic for cystic fibrosis. Last evaluated: 2018-01-29. Review status: criteria provided, single submitter. Criteria: Claustres M et al. (Hum Mutat 2017). Collection method: curation. Allele origin: germline. Affected: yes. Not counted in ClinVar's aggregate classification.

HudsonAlpha Institute for Biotechnology
Classification: Pathogenic for Cystic fibrosis. Last evaluated: 2017-09-14. Review status: criteria provided, single submitter. Criteria: HA_assertions_20161101. Collection method: research. Allele origin: paternal, unknown, maternal. Observed: 6 variant alleles. Study: CSER-HudsonAlpha. Not counted in ClinVar's aggregate classification.

Center for Pediatric Genomic Medicine, Children's Mercy Hospital and Clinics
Classification: Pathogenic. Last evaluated: 2015-09-11. Review status: criteria provided, single submitter. Criteria: ACMG Guidelines, 2015. Collection method: clinical testing. Allele origin: germline. Not counted in ClinVar's aggregate classification.

Eurofins Ntd Llc (ga)
Classification: Pathogenic. Last evaluated: 2013-12-03. Review status: criteria provided, single submitter. Criteria: EGL Classification Definitions. Collection method: clinical testing. Allele origin: germline. Observed: 2 variant alleles, 2 heterozygotes. Not counted in ClinVar's aggregate classification.

Baylor Genetics
Classification: Pathogenic for Congenital bilateral aplasia of vas deferens from CFTR mutation; Cystic fibrosis. Review status: criteria provided, single submitter. Criteria: ACMG Guidelines, 2015. Collection method: clinical testing. Allele origin: germline. Not counted in ClinVar's aggregate classification.

Juno Genomics, Hangzhou Juno Genomics, Inc
Classification: Pathogenic for Bronchiectasis with or without elevated sweat chloride 1; Hereditary pancreatitis; Congenital bilateral aplasia of vas deferens from CFTR mutation; Cystic fibrosis. Review status: criteria provided, single submitter. Criteria: ACMG Guidelines, 2015. Collection method: clinical testing. Allele origin: germline. Not counted in ClinVar's aggregate classification.
Comment: Absent from controls (or at extremely low frequency if recessive) in Genome Aggregation Database.;Null variant in a gene where loss of function (LOF) is a known mechanism of disease.;For recessive disorders, detected in trans with a pathogenic variant.;Patient's phenotype or family history is highly specific for a disease with a single genetic etiology.

Kasturba Medical College, Manipal, Kasturba Medical College, Manipal, Manipal Academy of Higher Education, Manipal, India
Classification: Pathogenic for Cystic fibrosis. Review status: criteria provided, single submitter. Criteria: ACMG Guidelines, 2015. Collection method: clinical testing. Allele origin: germline. Affected: yes. Not counted in ClinVar's aggregate classification.

Women's Health and Genetics/Laboratory Corporation of America, LabCorp
Classification: Pathogenic for Cystic Fibrosis. Last evaluated: 2015-06-10. Review status: no assertion criteria provided. Collection method: clinical testing. Allele origin: germline. Not counted in ClinVar's aggregate classification.

Literature cited by the submitters: PubMed 1695717 (cited by Labcorp Genetics (formerly Invitae), Labcorp); PubMed 7691345 (cited by Labcorp Genetics (formerly Invitae), Labcorp); PubMed 9725922 (cited by Labcorp Genetics (formerly Invitae), Labcorp); PubMed 7525450 (cited by Labcorp Genetics (formerly Invitae), Labcorp and Dasa); PubMed 9272157 (cited by Labcorp Genetics (formerly Invitae), Labcorp and Dasa); PubMed 22020151 (cited by Labcorp Genetics (formerly Invitae), Labcorp and Dasa); PubMed 23974870 (cited by 3 submitters); PubMed 24586523 (cited by Labcorp Genetics (formerly Invitae), Labcorp and Dasa); PubMed 30548586 (cited by Natera, Inc.); PubMed 29504914 (cited by Ambry Genetics); PubMed 20659818 (cited by Eurofins Ntd Llc (ga)); PubMed 22658665 (cited by Eurofins Ntd Llc (ga)).